The following is an entry in ClinVar:

NM_000435.3(NOTCH3):c.1396T>C (p.Cys466Arg)

Gene: NOTCH3 (notch receptor 3; minus strand). Cytogenetic location: 19p13.12.
Variant type: single nucleotide variant.
Coding change: c.1396T>C on transcript NM_000435.3 (MANE Select); coding-DNA position 1396, T replaced by C.
Protein change: p.Cys466Arg; replaces cysteine 466 with arginine.
Molecular consequence: missense variant.
Genome position (GRCh38, 1-based): chr19:15,188,331, A>G on the plus strand (T>C on the coding strand, the complement: NOTCH3 is on the minus strand). VCF-style: chr19-15188331-A-G. GRCh37 (hg19) VCF-style: chr19-15299142-A-G.
Other names: short protein forms C466R.
Identifiers: ClinVar variation 4887701 (VCV004887701.1).

ClinVar aggregate classification (germline): Uncertain significance (1 of 4 stars; one submission).

Submission:

Women's Health and Genetics/Laboratory Corporation of America, LabCorp
Classification: Uncertain significance. Last evaluated: 2026-06-24. Review status: criteria provided, single submitter. Criteria: LabCorp Variant Classification Summary - May 2015. Collection method: clinical testing. Allele origin: germline.
Comment: Variant summary: NOTCH3 c.1396T>C (p.Cys466Arg) results in a non-conservative amino acid change in the encoded protein sequence. Algorithms developed to predict the effect of missense changes on protein structure and function all suggest that this variant is likely to be disruptive. The variant was absent in 236080 control chromosomes. The available data on variant occurrences in the general population are insufficient to allow any conclusion about variant significance. To our knowledge, no occurrence of c.1396T>C in individuals affected with NOTCH3-related conditions and no experimental evidence demonstrating its impact on protein function have been reported. No submitters have cited clinical-significance assessments for this variant to ClinVar. Based on the evidence outlined above, the variant was classified as uncertain significance.